The following is an entry in ClinVar:

NM_001005278.2(OR6N2):c.106C>T (p.Leu36=)

Genes: OR6N1 (olfactory receptor family 6 subfamily N member 1; minus strand), OR6N2 (olfactory receptor family 6 subfamily N member 2; minus strand). Cytogenetic location: 1q23.1.
Variant type: single nucleotide variant.
Coding change: c.106C>T on transcript NM_001005278.2 (MANE Select); coding-DNA position 106, C replaced by T.
Protein change: p.Leu36=; no amino-acid change (leucine 36 retained).
Molecular consequence: synonymous variant.
Genome position (GRCh38, 1-based): chr1:158,777,530, G>A on the plus strand (C>T on the coding strand, the complement: OR6N2 is on the minus strand). VCF-style: chr1-158777530-G-A. GRCh37 (hg19) VCF-style: chr1-158747320-G-A.
Identifiers: ClinVar variation 2639479 (VCV002639479.24), dbSNP rs138356091, ClinGen allele CA1185431.
Genomic context (GRCh38, chr1:158,777,530, plus strand): 5'-GCAGAGCTGCATCCAGTCGGATGACTGAGAAGATGAGCATGTTACCACAGATGGTGAACA[G>A]GTATGCCAATAGCAGCAGGACAAAAAGCCAGCCCCTGACATAGCCCACACTGGCAAAGCC-3'
Protein context (NP_001005278.1, residues 26-46): WLFVLLLLAY[Leu36=]FTICGNMLIF

ClinVar aggregate classification (germline): Likely benign (1 of 4 stars; one submission).

Allele frequency attached by ClinVar (database versions not stated): 1000 Genomes Project 30x 0.00062; 1000 Genomes Project 0.00080; TOPMed 0.00216; gnomAD 0.00275; ESP Exome Variant Server 0.00323.
gnomAD v4.1: 6,108 of 1,614,124 alleles (0.38%); highest among the groups gnomAD compares: Non-Finnish European, 0.46%; 21 homozygotes.

Submission:

CeGaT Center for Human Genetics Tuebingen
Classification: Likely benign. Last evaluated: 2022-09-01. Review status: criteria provided, single submitter. Criteria: CeGaT Center For Human Genetics Tuebingen Variant Classification Criteria Version 2. Collection method: clinical testing. Allele origin: germline. Affected: yes. Observed: 1 variant allele.
Comment: OR6N2: BP4, BP7